The following is an entry in ClinVar:

NM_020166.5(MCCC1):c.1420T>C (p.Ser474Pro)

Gene: MCCC1 (methylcrotonyl-CoA carboxylase subunit 1; minus strand). Cytogenetic location: 3q27.1.
Variant type: single nucleotide variant.
Coding change: c.1420T>C on transcript NM_020166.5 (MANE Select); coding-DNA position 1420, T replaced by C.
Protein change: p.Ser474Pro; replaces serine 474 with proline.
Molecular consequence: missense variant. On other transcripts: non-coding transcript variant (1).
Genome position (GRCh38, 1-based): chr3:183,037,392, A>G on the plus strand (T>C on the coding strand, the complement: MCCC1 is on the minus strand). VCF-style: chr3-183037392-A-G. GRCh37 (hg19) VCF-style: chr3-182755180-A-G.
Other names: c.1069T>C, p.Ser357Pro (NM_001293273.2); c.1093T>C, p.Ser365Pro (NM_001363880.1); short protein forms S365P, S357P, S474P.
Identifiers: ClinVar variation 3691950 (VCV003691950.2).
Genomic context (GRCh38, chr3:183,037,392, plus strand): 5'-TGTGGTGTTGAGGGATGAAATCAGTGTGCACGTTCCCAGCTTCAAACTCTGGGTGGCCAG[A>G]CAGGTTGAGTAAGAAGTCAATGTTGGTGTGCAGTCCAACAATCTAGGAAGAGAATAAACC-3'
Protein context (NP_064551.3, residues 464-484): HTNIDFLLNL[Ser474Pro]GHPEFEAGNV

ClinVar aggregate classification (germline): Uncertain significance (1 of 4 stars; one submission).

Conditions:
3-methylcrotonyl-CoA carboxylase 1 deficiency (MCC1D). Also called: MCCD TYPE 1; METHYLCROTONYLGLYCINURIA TYPE I; MCC 1 deficiency; 3 Alpha methylcrotonylglycinuria 1. Identifiers: Orphanet 6, MedGen CN028786, MONDO:0008861, OMIM 210200.

Submission:

Labcorp Genetics (formerly Invitae), Labcorp
Classification: Uncertain significance for 3-methylcrotonyl-CoA carboxylase 1 deficiency. Last evaluated: 2024-03-27. Review status: criteria provided, single submitter. Criteria: Invitae Variant Classification Sherloc (09022015). Collection method: clinical testing. Allele origin: germline.
Comment: This sequence change replaces serine, which is neutral and polar, with proline, which is neutral and non-polar, at codon 474 of the MCCC1 protein (p.Ser474Pro). This variant is not present in population databases (gnomAD no frequency). This missense change has been observed in individual(s) with clinical features of 3-methylcrotonyl-CoA carboxylase (3MCC) deficiency (Invitae). In at least one individual the data is consistent with being in trans (on the opposite chromosome) from a pathogenic variant. Advanced modeling of protein sequence and biophysical properties (such as structural, functional, and spatial information, amino acid conservation, physicochemical variation, residue mobility, and thermodynamic stability) has been performed at Invitae for this missense variant, however the output from this modeling did not meet the statistical confidence thresholds required to predict the impact of this variant on MCCC1 protein function. In summary, the available evidence is currently insufficient to determine the role of this variant in disease. Therefore, it has been classified as a Variant of Uncertain Significance.